The following is an entry in ClinVar:

ClinVar aggregate classification (germline): Uncertain significance. Review status: criteria provided, multiple submitters, no conflicts (2 of 4 stars). 2 submissions from 2 submitters: Uncertain significance (2). Last evaluated 2023-11-18.

Conditions:
Inborn genetic diseases. Identifiers: MedGen C0950123, MeSH D030342.

gnomAD v4.1: 41 of 1,609,204 alleles (0.0025%); highest among the groups gnomAD compares: Non-Finnish European, 0.0032%; no homozygotes.

Submissions (2):

Ambry Genetics
Classification: Uncertain significance for Inborn genetic diseases. Last evaluated: 2023-11-18. Review status: criteria provided, single submitter. Criteria: Ambry Variant Classification Scheme 2023. Collection method: clinical testing. Allele origin: germline.

Labcorp Genetics (formerly Invitae), Labcorp
Classification: Uncertain significance. Last evaluated: 2021-11-11. Review status: criteria provided, single submitter. Criteria: Invitae Variant Classification Sherloc (09022015). Collection method: clinical testing. Allele origin: germline.
Comment: In summary, the available evidence is currently insufficient to determine the role of this variant in disease. Therefore, it has been classified as a Variant of Uncertain Significance. Experimental studies and prediction algorithms are not available or were not evaluated, and the functional significance of this variant is currently unknown. This variant has not been reported in the literature in individuals affected with COL18A1-related conditions. The frequency data for this variant in the population databases is considered unreliable, as metrics indicate poor data quality at this position in the gnomAD database. This sequence change replaces alanine, which is neutral and non-polar, with threonine, which is neutral and polar, at codon 735 of the COL18A1 protein (p.Ala735Thr).

NM_001379500.1(COL18A1):c.2203G>A (p.Ala735Thr)

Gene: COL18A1 (collagen type XVIII alpha 1 chain; plus strand). Cytogenetic location: 21q22.3.
Variant type: single nucleotide variant.
Coding change: c.2203G>A on transcript NM_001379500.1 (MANE Select); coding-DNA position 2203, G replaced by A.
Protein change: p.Ala735Thr; replaces alanine 735 with threonine.
Molecular consequence: missense variant.
Genome position (GRCh38, 1-based): chr21:45,492,702, G>A. VCF-style: chr21-45492702-G-A. GRCh37 (hg19) VCF-style: chr21-46912616-G-A.
Other names: NM_130445.2:c.2203G>A; c.2743G>A, p.Ala915Thr (NM_030582.4); c.3448G>A, p.Ala1150Thr (NM_130444.3); short protein forms A1150T, A735T, A915T.
Identifiers: ClinVar variation 1382225 (VCV001382225.5), dbSNP rs372137898, ClinGen allele CA321919311.
Genomic context (GRCh38, chr21:45,492,702, plus strand): 5'-GAGGGTGCGTGATGACCCCAGCTGACGCCGTCCCTCTTTCCCCAGGGCCGGCCGGGTTTC[G>A]CAGGCTTTCCCGTGAGTAACCTGGTGCCAGAGCTGCATGCTGCCCGGCTGGGGAGGGGTC-3'
Protein context (NP_001366429.1, residues 725-745): VPGPEGRPGF[Ala735Thr]GFPGPAGPKG